The following is an entry in ClinVar:

NM_198291.3(SRC):c.919C>T (p.Pro307Ser)

Gene: SRC (SRC proto-oncogene, non-receptor tyrosine kinase; plus strand). Cytogenetic location: 20q11.23.
Variant type: single nucleotide variant.
Coding change: c.919C>T on transcript NM_198291.3 (MANE Select); coding-DNA position 919, C replaced by T.
Protein change: p.Pro307Ser; replaces proline 307 with serine.
Molecular consequence: missense variant.
Genome position (GRCh38, 1-based): chr20:37,400,174, C>T. VCF-style: chr20-37400174-C-T. GRCh37 (hg19) VCF-style: chr20-36028577-C-T.
Other names: c.919C>T, p.Pro307Ser (NM_005417.5); short protein forms P307S.
Identifiers: ClinVar variation 2584809 (VCV002584809.1), dbSNP rs2516461256, ClinGen allele CA408929973.

ClinVar aggregate classification (germline): Uncertain significance (1 of 4 stars; one submission).

Conditions:
Thrombocytopenia 6 (THC6). Also called: THROMBOCYTOPENIA, AUTOSOMAL DOMINANT, 6. Identifiers: Orphanet 480851, MedGen C4310789, MONDO:0014837, OMIM 616937.

Submission:

Neuberg Centre For Genomic Medicine, NCGM
Classification: Uncertain significance for Thrombocytopenia 6. Review status: criteria provided, single submitter. Criteria: ACMG Guidelines, 2015. Collection method: clinical testing. Allele origin: germline. Inheritance: Autosomal dominant inheritance. Affected: yes.
Comment: The missense variant c.919C>T(p.Pro307Ser) in SRC gene has not been reported previously as a pathogenic variant nor as a benign variant, to our knowledge. The p.Pro307Ser variant is novel (not in any individuals) in gnomAD Exomes and 1000 Genomes. The amino acid Pro at position 307 is changed to a Ser changing protein sequence and it might alter its composition and physico-chemical properties. The variant is predicted to be damaging by both SIFT and PolyPhen2. The residue is conserved across species. The amino acid change p.Pro307Ser in SRC is predicted as conserved by GERP++ and PhyloP across 100 vertebrates. For these reasons, this variant has been classified as Variant of Uncertain Significance (VUS).